The following is an entry in ClinVar:

NM_004827.3(ABCG2):c.1582G>A (p.Ala528Thr)

Gene: ABCG2 (ATP binding cassette subfamily G member 2 (JR blood group); minus strand). Cytogenetic location: 4q22.1.
Variant type: single nucleotide variant.
Coding change: c.1582G>A on transcript NM_004827.3 (MANE Select); coding-DNA position 1582, G replaced by A.
Protein change: p.Ala528Thr; replaces alanine 528 with threonine.
Molecular consequence: missense variant.
Genome position (GRCh38, 1-based): chr4:88,097,518, C>T on the plus strand (G>A on the coding strand, the complement: ABCG2 is on the minus strand). VCF-style: chr4-88097518-C-T. GRCh37 (hg19) VCF-style: chr4-89018670-C-T.
Other names: c.1582G>A, p.Ala528Thr (NM_001257386.2, NM_001348985.1, NM_001348986.2 and 2 more transcripts); c.1576G>A, p.Ala526Thr (NM_001348987.1); short protein forms A526T, A528T.
Identifiers: ClinVar variation 3041649 (VCV003041649.2), dbSNP rs45605536, ClinGen allele CA3004525.
Genomic context (GRCh38, chr4:88,097,518, plus strand): 5'-TAAACACAAAACAGATGGTCATGAGAAGTGTTGCTACAGAAACCACACTCTGACCTGCTG[C>T]TATGGCCAGTGCCATGGAACTGGCTGAATAAGCCACCATCATAAGGGTAAACATCATAAC-3'
Protein context (NP_004818.2, residues 518-538): YSASSMALAI[Ala528Thr]AGQSVVSVAT

ClinVar aggregate classification (germline): Likely benign (0 of 4 stars; one submission).

Conditions:
ABCG2-related disorder. Also called: ABCG2-related condition.

Allele frequency attached by ClinVar (database versions not stated): gnomAD 0.00132; TOPMed 0.00139; ExAC 0.00143; ESP Exome Variant Server 0.00161; gnomAD exomes 0.00166; 1000 Genomes Project 30x 0.00172; 1000 Genomes Project 0.00180.
gnomAD v4.1: 2,639 of 1,614,190 alleles (0.16%); highest among the groups gnomAD compares: Admixed American, 0.19%; 5 homozygotes.

Submission:

PreventionGenetics, part of Exact Sciences
Classification: Likely benign for ABCG2-related condition. Last evaluated: 2022-07-12. Review status: no assertion criteria provided. Collection method: clinical testing. Allele origin: germline.
Comment: This variant is classified as likely benign based on ACMG/AMP sequence variant interpretation guidelines (Richards et al. 2015 PMID: 25741868, with internal and published modifications).